The following is an entry in ClinVar:

NM_001029896.2(WDR45):c.725+5_725+32del

Gene: WDR45 (WD repeat domain 45; minus strand). Cytogenetic location: Xp11.23.
Variant type: Deletion.
Coding change: c.725+5_725+32del on transcript NM_001029896.2 (MANE Select); bases 5 to 32 of the intron after coding-DNA position 725, 28 bases deleted (GCACAGGGTATGCATGGTGGGCTGGTGA).
Molecular consequence: splice donor variant.
Genome position (GRCh38, 1-based): chrX:49,075,513-49,075,540, TCACCAGCCCACCATGCATACCCTGTGC deleted on the plus strand (GCACAGGGTATGCATGGTGGGCTGGTGA on the coding strand, the reverse complement: WDR45 is on the minus strand); deleting any 28 consecutive bases within chrX:49,075,513-49,075,547 gives the same sequence; the c. name uses the placement nearest the transcript's 3' end. VCF-style (leftmost placement, unchanged base first): chrX-49075512-GTCACCAGCCCACCATGCATACCCTGTGC-G. GRCh37 (hg19) VCF-style: chrX-48933171-GTCACCAGCCCACCATGCATACCCTGTGC-G.
Other names: c.728+5_728+32del (NM_007075.4).
Identifiers: ClinVar variation 2856986 (VCV002856986.3), dbSNP rs2520261166, ClinGen allele CA2739273494.

ClinVar aggregate classification (germline): Uncertain significance (1 of 4 stars; one submission).

Conditions:
Neurodegeneration with brain iron accumulation 5 (NBIA5). Also called: STATIC ENCEPHALOPATHY OF CHILDHOOD WITH NEURODEGENERATION IN ADULTHOOD; Beta-propeller protein-associated neurodegeneration. Identifiers: Orphanet 329284, MedGen C3550973, MONDO:0010476, OMIM 300894.

Submission:

Labcorp Genetics (formerly Invitae), Labcorp
Classification: Uncertain significance for Neurodegeneration with brain iron accumulation 5. Last evaluated: 2025-02-17. Review status: criteria provided, single submitter. Criteria: Invitae Variant Classification Sherloc (09022015). Collection method: clinical testing. Allele origin: germline.
Comment: This sequence change falls in intron 9 of the WDR45 gene. It does not directly change the encoded amino acid sequence of the WDR45 protein. It affects a nucleotide within the consensus splice site. This variant is not present in population databases (gnomAD no frequency). This variant has not been reported in the literature in individuals affected with WDR45-related conditions. ClinVar contains an entry for this variant (Variation ID: 2856986). Variants that disrupt the consensus splice site are a relatively common cause of aberrant splicing (PMID: 17576681, 9536098). In summary, the available evidence is currently insufficient to determine the role of this variant in disease. Therefore, it has been classified as a Variant of Uncertain Significance.

Literature cited by the submitters: PubMed 17576681; PubMed 9536098.